The following is an entry in ClinVar:

NM_003126.4(SPTA1):c.1677+1G>C

Gene: SPTA1 (spectrin alpha, erythrocytic 1; minus strand). Cytogenetic location: 1q23.1.
Variant type: single nucleotide variant.
Coding change: c.1677+1G>C on transcript NM_003126.4 (MANE Select); the canonical splice donor site of the intron after coding-DNA position 1677, G replaced by C.
Molecular consequence: splice donor variant.
Genome position (GRCh38, 1-based): chr1:158,669,708, C>G on the plus strand (G>C on the coding strand, the complement: SPTA1 is on the minus strand). VCF-style: chr1-158669708-C-G. GRCh37 (hg19) VCF-style: chr1-158639498-C-G.
Identifiers: ClinVar variation 3766829 (VCV003766829.1).
Genomic context (GRCh38, chr1:158,669,708, plus strand): 5'-ACCAAAACTCTTCTTGATTCTAGTGTGTAGGCACACAGAAGCTCTAGGCCCTTGGACATA[C>G]CCCGTCACGGATAGCCTTGATGTTCTCTGAATCATAATGGTCATCACCAATCAATTTGGT-3'

ClinVar aggregate classification (germline): Likely pathogenic (1 of 4 stars; one submission).

Submission:

ARUP Laboratories, Molecular Genetics and Genomics, ARUP Laboratories
Classification: Likely pathogenic. Last evaluated: 2024-09-13. Review status: criteria provided, single submitter. Criteria: ARUP Molecular Germline Variant Investigation Process 2024. Collection method: clinical testing. Allele origin: germline.
Comment: The SPTA1 c.1677+1G>C variant, to our knowledge, is not reported in the medical literature or gene specific databases. This variant is also absent from the Genome Aggregation Database (v2.1.1), indicating it is not a common polymorphism. This variant disrupts the canonical splice donor site of intron 13, which is likely to negatively impact gene function. Additionally, another variant at this splice-site (c.1677+1G>A) has been reported in an individual with spherocytosis and is considered disease causing (Hauser 2023). Based on available information, this variant is considered to be likely pathogenic. References: Hauser F et al. Hereditary Spherocytosis: Can Next-Generation Sequencing of the Five Most Frequently Affected Genes Replace Time-Consuming Functional Investigations? Int J Mol Sci. 2023 Nov 30;24(23):17021. PMID: 38069343.